The following is an entry in ClinVar:

NM_001270.4(CHD1):c.3266G>C (p.Arg1089Pro)

Gene: CHD1 (chromodomain helicase DNA binding protein 1; minus strand). Cytogenetic location: 5q15.
Variant type: single nucleotide variant.
Coding change: c.3266G>C on transcript NM_001270.4 (MANE Select); coding-DNA position 3266, G replaced by C.
Protein change: p.Arg1089Pro; replaces arginine 1089 with proline.
Molecular consequence: missense variant. On other transcripts: non-coding transcript variant (2).
Genome position (GRCh38, 1-based): chr5:98,876,530, C>G on the plus strand (G>C on the coding strand, the complement: CHD1 is on the minus strand). VCF-style: chr5-98876530-C-G. GRCh37 (hg19) VCF-style: chr5-98212234-C-G.
Other names: c.3266G>C, p.Arg1089Pro (NM_001364113.3, NM_001376194.2); short protein forms R1089P.
Identifiers: ClinVar variation 3900408 (VCV003900408.1).

ClinVar aggregate classification (germline): Uncertain significance (1 of 4 stars; one submission).

gnomAD v4.1: 2 of 1,613,578 alleles (0.00012%); highest among the groups gnomAD compares: Non-Finnish European, 0.00017%; no homozygotes.

Submission:

GeneDx
Classification: Uncertain significance. Last evaluated: 2024-11-22. Review status: criteria provided, single submitter. Criteria: GeneDx Variant Classification Process June 2021. Collection method: clinical testing. Allele origin: germline. Affected: yes.
Comment: Not observed at significant frequency in large population cohorts (gnomAD); In silico analysis indicates that this missense variant does not alter protein structure/function; Has not been previously published as pathogenic or benign to our knowledge